The following is an entry in ClinVar:

NM_001040142.2(SCN2A):c.4369ATT[1] (p.Ile1458del)

Gene: SCN2A (sodium voltage-gated channel alpha subunit 2; plus strand). Cytogenetic location: 2q24.3.
Variant type: Microsatellite.
Coding change: c.4369ATT[1] on transcript NM_001040142.2 (MANE Select); one copy of the 3-base unit ATT starting at c.4369; the reference has two copies in a row; one copy, 3 bases deleted.
Protein change: p.Ile1458del; deletes isoleucine 1458.
Molecular consequence: inframe deletion.
Genome position (GRCh38, 1-based): chr2:165,380,655-165,380,657, ATT deleted; deleting any 3 consecutive bases within chr2:165,380,650-165,380,657 gives the same sequence; the position shown is the placement nearest the transcript's 3' end. VCF-style (leftmost placement, unchanged base first): chr2-165380649-TTTA-T. GRCh37 (hg19) VCF-style: chr2-166237159-TTTA-T.
Other names: c.4369ATT[1], p.Ile1458del (NM_001040143.2, NM_001371246.1, NM_001371247.1 and 1 more transcripts); c.4372_4374delATT (NM_021007.2); short protein forms I1458del.
Identifiers: ClinVar variation 207076 (VCV000207076.3), dbSNP rs796053193, ClinGen allele CA318176.

ClinVar aggregate classification (germline): Likely pathogenic (1 of 4 stars; one submission).

Conditions:
Complex neurodevelopmental disorder. Identifiers: Orphanet 528084, MedGen C5568766, MONDO:0100038.

Submission:

GeneDx
Classification: Likely pathogenic. Last evaluated: 2014-12-10. Review status: criteria provided, single submitter. Criteria: GeneDx Variant Classification (06012015). Collection method: clinical testing. Allele origin: germline. Affected: yes.
Comment: c.4372_4374delATT : p.Ile1458del (I1458del) in exon 24 of the SCN2A gene (NM_021007.2). The normal sequence with the bases that are deleted in braces is: TATT{ATT}TTTG. The c.4372_4374delATT variant has not been published as a mutation, nor has it been reported as a benign polymorphism to our knowledge. It was not observed in approximately 6,500 individuals of European and African American ancestry in the NHLBI Exome Sequencing Project, indicating it is not a common benign variant in these populations. The c.4372_4374delATT variant results in an in-frame deletion of a single Isoleucine residue at a conserved position in the transmembrane segment S6 of the third homologous repeat domain of the SCN2A protein. This variant has been observed de novo without verified parentage. The variant is found in EPILEPSY panel(s).